The following is an entry in ClinVar:

ClinVar aggregate classification (germline): Uncertain significance. Review status: criteria provided, multiple submitters, no conflicts (2 of 4 stars). 2 submissions from 2 submitters: Uncertain significance (2). Last evaluated 2025-12-24.

Conditions:
Acromesomelic dysplasia 1, Maroteaux type (AMD1). Also called: ST. HELENA DYSPLASIA; ACROMESOMELIC DYSPLASIA 1. Identifiers: Orphanet 40, MedGen C1864356, MONDO:0011275, OMIM 602875.
Tall stature-scoliosis-macrodactyly of the great toes syndrome. Also called: Epiphyseal chondrodysplasia, miura type. Identifiers: Orphanet 329191, MedGen C4014690, MONDO:0014401, OMIM 615923.
Inborn genetic diseases. Identifiers: MedGen C0950123, MeSH D030342.

gnomAD v4.1: 13 of 1,613,960 alleles (0.00081%); highest among the groups gnomAD compares: Non-Finnish European, 0.00093%; no homozygotes.

Submissions (2):

Labcorp Genetics (formerly Invitae), Labcorp
Classification: Uncertain significance for Tall stature-scoliosis-macrodactyly of the great toes syndrome; Acromesomelic dysplasia 1, Maroteaux type. Last evaluated: 2025-12-24. Review status: criteria provided, single submitter. Criteria: Invitae Variant Classification Sherloc (09022015). Collection method: clinical testing. Allele origin: germline.
Comment: This sequence change replaces histidine, which is basic and polar, with arginine, which is basic and polar, at codon 678 of the NPR2 protein (p.His678Arg). This variant is present in population databases (no rsID available, gnomAD 0.03%). This variant has not been reported in the literature in individuals affected with NPR2-related conditions. ClinVar contains an entry for this variant (Variation ID: 4122245). Invitae Evidence Modeling of protein sequence and biophysical properties (such as structural, functional, and spatial information, amino acid conservation, physicochemical variation, residue mobility, and thermodynamic stability) indicates that this missense variant is not expected to disrupt NPR2 protein function with a negative predictive value of 80%. In summary, the available evidence is currently insufficient to determine the role of this variant in disease. Therefore, it has been classified as a Variant of Uncertain Significance.

Ambry Genetics
Classification: Uncertain significance for Inborn genetic diseases. Last evaluated: 2025-08-27. Review status: criteria provided, single submitter. Criteria: Ambry Variant Classification Scheme 2023. Collection method: clinical testing. Allele origin: germline.

NM_003995.4(NPR2):c.2033A>G (p.His678Arg)

Gene: NPR2 (natriuretic peptide receptor 2; plus strand). Cytogenetic location: 9p13.3.
Variant type: single nucleotide variant.
Coding change: c.2033A>G on transcript NM_003995.4 (MANE Select); coding-DNA position 2033, A replaced by G.
Protein change: p.His678Arg; replaces histidine 678 with arginine.
Molecular consequence: missense variant.
Genome position (GRCh38, 1-based): chr9:35,805,656, A>G. VCF-style: chr9-35805656-A-G. GRCh37 (hg19) VCF-style: chr9-35805653-A-G.
Other names: c.2042A>G, p.His681Arg (NM_001378923.1); short protein forms H678R, H681R.
Identifiers: ClinVar variation 4122245 (VCV004122245.2).
Genomic context (GRCh38, chr9:35,805,656, plus strand): 5'-TCAAAATCACAGACTATGGCCTGGCCAGCTTCCGATCAACTGCTGAACCTGATGACAGCC[A>G]TGCCCTCTATGCCAGTGAGGCCCACCCCCACAACCCACTTTTTATATTGCTCCTCTTTCC-3'
Protein context (NP_003986.2, residues 668-688): FRSTAEPDDS[His678Arg]ALYAKKLWTA